The following is an entry in ClinVar:

ClinVar aggregate classification (germline): Uncertain significance (1 of 4 stars; one submission).

gnomAD v4.1: 3 of 1,611,602 alleles (0.00019%); no homozygotes.

Submission:

Labcorp Genetics (formerly Invitae), Labcorp
Classification: Uncertain significance. Last evaluated: 2025-11-17. Review status: criteria provided, single submitter. Criteria: Invitae Variant Classification Sherloc (09022015). Collection method: clinical testing. Allele origin: germline.
Comment: This sequence change replaces serine, which is neutral and polar, with threonine, which is neutral and polar, at codon 193 of the XRCC4 protein (p.Ser193Thr). This variant is not present in population databases (gnomAD no frequency). This variant has not been reported in the literature in individuals affected with XRCC4-related conditions. ClinVar contains an entry for this variant (Variation ID: 2119432). Invitae Evidence Modeling of protein sequence and biophysical properties (such as structural, functional, and spatial information, amino acid conservation, physicochemical variation, residue mobility, and thermodynamic stability) has been performed for this missense variant. However, the output from this modeling did not meet the statistical confidence thresholds required to predict the impact of this variant on XRCC4 protein function. In summary, the available evidence is currently insufficient to determine the role of this variant in disease. Therefore, it has been classified as a Variant of Uncertain Significance.

NM_003401.5(XRCC4):c.578G>C (p.Ser193Thr)

Gene: XRCC4 (X-ray repair cross complementing 4; plus strand). Cytogenetic location: 5q14.2.
Variant type: single nucleotide variant.
Coding change: c.578G>C on transcript NM_003401.5 (MANE Select); coding-DNA position 578, G replaced by C.
Protein change: p.Ser193Thr; replaces serine 193 with threonine.
Molecular consequence: missense variant.
Genome position (GRCh38, 1-based): chr5:83,203,647, G>C. VCF-style: chr5-83203647-G-C. GRCh37 (hg19) VCF-style: chr5-82499466-G-C.
Other names: c.578G>C, p.Ser193Thr (NM_001131022.1, NM_001318012.3, NM_001318013.2 and 2 more transcripts); short protein forms S193T.
Identifiers: ClinVar variation 2119432 (VCV002119432.4), dbSNP rs2479871631, ClinGen allele CA360358964.